The following is an entry in ClinVar:

ClinVar aggregate classification (germline): Uncertain significance. Review status: criteria provided, multiple submitters, no conflicts (2 of 4 stars). 4 submissions from 4 submitters: Uncertain significance (4). Last evaluated 2026-09-11.

Conditions:
Hereditary cancer-predisposing syndrome. Also called: Neoplastic Syndromes, Hereditary; Hereditary neoplastic syndrome; Hereditary Cancer Syndrome; Tumor predisposition. Identifiers: Orphanet 140162, MedGen C0027672, MeSH D009386, MONDO:0015356.
Familial cancer of breast. Also called: hereditary breast carcinoma; Hereditary breast cancer; BREAST CANCER, FAMILIAL. Identifiers: Orphanet 227535, MedGen C0346153, MONDO:0016419, OMIM 114480. Disease mechanism: loss of function.
Fanconi anemia complementation group J. Also called: BRIP1-Related Fanconi Anemia. Identifiers: Orphanet 84, MedGen C1836860, MONDO:0012187, OMIM 609054.

Allele frequency attached by ClinVar (database versions not stated): TOPMed below 0.00001; gnomAD 0.00001.
gnomAD v4.1: 2 of 1,613,350 alleles (0.00012%); highest among the groups gnomAD compares: Non-Finnish European, 0.00017%; no homozygotes.

Submissions (4):

Ambry Genetics
Classification: Uncertain significance for Hereditary cancer-predisposing syndrome. Last evaluated: 2026-09-11. Review status: criteria provided, single submitter. Criteria: Ambry Variant Classification Scheme 2023. Collection method: clinical testing. Allele origin: germline.

Labcorp Genetics (formerly Invitae), Labcorp
Classification: Uncertain significance for Familial cancer of breast; Fanconi anemia complementation group J. Last evaluated: 2024-08-02. Review status: criteria provided, single submitter. Criteria: Invitae Variant Classification Sherloc (09022015). Collection method: clinical testing. Allele origin: germline.
Comment: This sequence change replaces glutamic acid, which is acidic and polar, with glycine, which is neutral and non-polar, at codon 511 of the BRIP1 protein (p.Glu511Gly). This variant is not present in population databases (gnomAD no frequency). This missense change has been observed in individual(s) with breast cancer (PMID: 31822495). ClinVar contains an entry for this variant (Variation ID: 485456). Advanced modeling of protein sequence and biophysical properties (such as structural, functional, and spatial information, amino acid conservation, physicochemical variation, residue mobility, and thermodynamic stability) performed at Invitae indicates that this missense variant is not expected to disrupt BRIP1 protein function with a negative predictive value of 80%. Experimental studies have shown that this missense change affects BRIP1 function (PMID: 31822495). In summary, the available evidence is currently insufficient to determine the role of this variant in disease. Therefore, it has been classified as a Variant of Uncertain Significance.

Women's Health and Genetics/Laboratory Corporation of America, LabCorp
Classification: Uncertain significance. Last evaluated: 2023-05-15. Review status: criteria provided, single submitter. Criteria: LabCorp Variant Classification Summary - May 2015. Collection method: clinical testing. Allele origin: germline.
Comment: Variant summary: BRIP1 c.1532A>G (p.Glu511Gly) results in a non-conservative amino acid change in the encoded protein sequence. Four of five in-silico tools predict a damaging effect of the variant on protein function. The variant was absent in 251382 control chromosomes. The available data on variant occurrences in the general population are insufficient to allow any conclusion about variant significance. c.1532A>G has been reported in the literature in individual(s) affected with Breast Cancer (example, Moyer_2020). These report(s) do not provide unequivocal conclusions about association of the variant with an inherited predisposition to Breast Cancer. At least one publication reports experimental evidence evaluating an impact on protein function, however, does not allow convincing conclusions about the variant effect as it was characterized as a hypomorph and the functional relevance of this finding towards a germline variant specific predisposition to disease is not clear (Moyer_2020). The following publication has been ascertained in the context of this evaluation (PMID: 31822495). Three clinical diagnostic laboratories have submitted clinical-significance assessments for this variant to ClinVar after 2014 without evidence for independent evaluation. All laboratories classified the variant as uncertain significance. Based on the evidence outlined above, the variant was classified as uncertain significance.

Color Diagnostics, LLC DBA Color Health
Classification: Uncertain significance for Hereditary cancer-predisposing syndrome. Last evaluated: 2022-08-22. Review status: criteria provided, single submitter. Criteria: ACMG Guidelines, 2015. Collection method: clinical testing. Allele origin: germline.
Comment: This missense variant replaces glutamic acid with glycine at codon 511 of the BRIP1 protein. Computational prediction suggests that this variant may not impact protein structure and function (internally defined REVEL score threshold <= 0.5, PMID: 27666373). To our knowledge, functional studies have not been reported for this variant. This variant has not been reported in individuals affected with hereditary cancer in the literature. This variant has not been identified in the general population by the Genome Aggregation Database (gnomAD). The available evidence is insufficient to determine the role of this variant in disease conclusively. Therefore, this variant is classified as a Variant of Uncertain Significance.

Literature cited by the submitters: PubMed 31822495 (cited by Labcorp Genetics (formerly Invitae), Labcorp and Women's Health and Genetics/Laboratory Corporation of America, LabCorp).

NM_032043.3(BRIP1):c.1532A>G (p.Glu511Gly)

Gene: BRIP1 (BRCA1 interacting DNA helicase 1; minus strand). Cytogenetic location: 17q23.2.
Variant type: single nucleotide variant.
Coding change: c.1532A>G on transcript NM_032043.3 (MANE Select); coding-DNA position 1532, A replaced by G.
Protein change: p.Glu511Gly; replaces glutamic acid 511 with glycine.
Molecular consequence: missense variant.
Genome position (GRCh38, 1-based): chr17:61,784,366, T>C on the plus strand (A>G on the coding strand, the complement: BRIP1 is on the minus strand). VCF-style: chr17-61784366-T-C. GRCh37 (hg19) VCF-style: chr17-59861727-T-C.
Other names: short protein forms E511G.
Identifiers: ClinVar variation 485456 (VCV000485456.19), dbSNP rs1555603565, ClinGen allele CA400481278.